The following is an entry in ClinVar:

ClinVar aggregate classification (germline): Likely benign (1 of 4 stars; one submission).

Conditions:
Loeys-Dietz syndrome 2 (LDS2). Also called: TGFBR2-Related Loeys-Dietz Syndrome; AORTIC ANEURYSM, FAMILIAL THORACIC 3; MARFAN SYNDROME, TYPE II; Marfan syndrome, type 2 (formerly); Marfan Syndrome type 2; Marfan like connective tissue disorder. Identifiers: Orphanet 284973, Orphanet 558, MedGen C2674574, MONDO:0012427, OMIM 610168.

Submission:

All of Us Research Program, National Institutes of Health
Classification: Likely benign for Loeys-Dietz syndrome 2. Last evaluated: 2023-06-26. Review status: criteria provided, single submitter. Criteria: ACMG Guidelines, 2015. Collection method: clinical testing. Allele origin: germline. Inheritance: Autosomal dominant inheritance. Observed: 1 variant allele, 1 heterozygote.
Comment: This study involves interpretation of variants in research participants for the purpose of population health screening. Participant phenotype was not available at the time of variant classification. Additional details can be found in publication PMID: 35346344, PMCID: PMC8962531

NM_003242.6(TGFBR2):c.468C>T (p.Ser156=)

Gene: TGFBR2 (transforming growth factor beta receptor 2; plus strand). Cytogenetic location: 3p24.1.
Variant type: single nucleotide variant.
Coding change: c.468C>T on transcript NM_003242.6 (MANE Select); coding-DNA position 468, C replaced by T.
Protein change: p.Ser156=; no amino-acid change (serine 156 retained).
Molecular consequence: synonymous variant. On other transcripts: intron variant (1).
Genome position (GRCh38, 1-based): chr3:30,671,651, C>T. VCF-style: chr3-30671651-C-T. GRCh37 (hg19) VCF-style: chr3-30713143-C-T.
Other names: c.543C>T, p.Ser181= (NM_001024847.3); c.651C>T, p.Ser217= (NM_001407126.1); c.576C>T, p.Ser192= (NM_001407127.1); c.495C>T, p.Ser165= (NM_001407128.1); c.471C>T, p.Ser157= (NM_001407129.1); c.468C>T, p.Ser156= (NM_001407130.1); c.363C>T, p.Ser121= (NM_001407132.1, NM_001407133.1, NM_001407134.1 and 2 more transcripts); c.183C>T, p.Ser61= (NM_001407137.1); and 2 more.
Identifiers: ClinVar variation 3072068 (VCV003072068.1), dbSNP rs2125433215, ClinGen allele CA432917491.